The following is an entry in ClinVar:

ClinVar aggregate classification (germline): Uncertain significance (1 of 4 stars; one submission).

Conditions:
Inborn genetic diseases. Identifiers: MedGen C0950123, MeSH D030342.

Submission:

Ambry Genetics
Classification: Uncertain significance for Inborn genetic diseases. Last evaluated: 2025-08-08. Review status: criteria provided, single submitter. Criteria: Ambry Variant Classification Scheme 2023. Collection method: clinical testing. Allele origin: germline.
Comment: The p.I492V variant (also known as c.1474A>G), located in coding exon 1 of the SAMD9 gene, results from an A to G substitution at nucleotide position 1474. The isoleucine at codon 492 is replaced by valine, an amino acid with highly similar properties. This amino acid position is conserved. In addition, this alteration is predicted to be tolerated by in silico analysis. Based on the available evidence, the clinical significance of this variant remains unclear.

NM_017654.4(SAMD9):c.1474A>G (p.Ile492Val)

Gene: SAMD9 (sterile alpha motif domain containing 9; minus strand). Cytogenetic location: 7q21.2.
Variant type: single nucleotide variant.
Coding change: c.1474A>G on transcript NM_017654.4 (MANE Select); coding-DNA position 1474, A replaced by G.
Protein change: p.Ile492Val; replaces isoleucine 492 with valine.
Molecular consequence: missense variant.
Genome position (GRCh38, 1-based): chr7:93,104,624, T>C on the plus strand (A>G on the coding strand, the complement: SAMD9 is on the minus strand). VCF-style: chr7-93104624-T-C. GRCh37 (hg19) VCF-style: chr7-92733937-T-C.
Other names: c.1474A>G, p.Ile492Val (NM_001193307.2); short protein forms I492V.
Identifiers: ClinVar variation 4159137 (VCV004159137.1).
Genomic context (GRCh38, chr7:93,104,624, plus strand): 5'-AACTTGGATCAAAGGGTTTATATTTTTCACTGTCAAGGTCTAACCTGCCATTGCAGAAAA[T>C]CCAGCTGGGTTGATGGTAAAGATTTAGAGTAGAAATCGTCTCATTTGGTGTGGTTTTCTG-3'
Protein context (NP_060124.2, residues 482-502): TLNLYHQPSW[Ile492Val]FCNGRLDLDS